The following is an entry in ClinVar:

ClinVar aggregate classification (germline): Pathogenic/Likely pathogenic. Review status: criteria provided, multiple submitters, no conflicts (2 of 4 stars). 4 submissions from 4 submitters: Pathogenic (1); Likely pathogenic (3). Last evaluated 2024-11-27.

Conditions:
CHD7-related disorder. Also called: CHD7-related condition.
CHARGE syndrome (CHARGE). Also called: Hittner Hirsch Kreh syndrome; CHARGE ASSOCIATION--COLOBOMA, HEART ANOMALY, CHOANAL ATRESIA, RETARDATION, GENITAL AND EAR ANOMALIES; Coloboma, heart anomaly, choanal atresia, retardation, genital and ear anomalies; CHARGE association; Hall-Hittner syndrome. Identifiers: Orphanet 138, MedGen C0265354, MONDO:0008965.

Submissions (4):

Clinical Genomics Laboratory, Washington University in St. Louis
Classification: Likely pathogenic for CHD7-related CHARGE syndrome. Last evaluated: 2024-11-27. Review status: criteria provided, single submitter. Criteria: ACMG Guidelines, 2015. Collection method: clinical testing. Allele origin: germline. Affected: yes.
Comment: The CHD7 c.4034G>A (p.Arg1345His) variant has been reported in at least two unrelated individuals affected with CHARGE syndrome, one occurring de novo (Jacobson JD et al., PMID: 32010941; Janssen N et al., PMID: 22461308). This variant is absent from the general population (gnomAD v.2.1.1), indicating it is not a common variant. Computational predictors indicate that the variant is damaging, evidence that correlates with impact on CHD7 function. Two variants in the same codon, c.4034G>T (p.Arg1345Leu) and c.4033C>T (p.Arg1345Cys) have been reported in affected individuals and classified as variants of uncertain significance (Bartels CF et al., PMID: 21158681; Stessman HF et al., PMID: 24191889; Zhang L et al., PMID: 34348883, ClinVar Variation IDs: 1307178, 569024). This variant has been reported in the ClinVar database as a germline likely pathogenic variant by one submitter (ClinVar ID: 3338836). Based on available information and the ACMG/AMP guidelines for variant interpretation (Richards S et al., PMID: 25741868), this variant is classified as likely pathogenic.

Labcorp Genetics (formerly Invitae), Labcorp
Classification: Pathogenic for CHARGE syndrome. Last evaluated: 2024-11-22. Review status: criteria provided, single submitter. Criteria: Invitae Variant Classification Sherloc (09022015). Collection method: clinical testing. Allele origin: germline.
Comment: This sequence change replaces arginine, which is basic and polar, with histidine, which is basic and polar, at codon 1345 of the CHD7 protein (p.Arg1345His). This variant is not present in population databases (gnomAD no frequency). This missense change has been observed in individual(s) with clinical features of CHARGE syndrome (PMID: 22461308). In at least one individual the variant was observed to be de novo. Invitae Evidence Modeling of protein sequence and biophysical properties (such as structural, functional, and spatial information, amino acid conservation, physicochemical variation, residue mobility, and thermodynamic stability) indicates that this missense variant is expected to disrupt CHD7 protein function with a positive predictive value of 95%. For these reasons, this variant has been classified as Pathogenic.

Blueprint Genetics
Classification: Likely pathogenic for CHD7-related disorders. Last evaluated: 2024-07-05. Review status: criteria provided, single submitter. Criteria: ACMG Guidelines, 2015. Collection method: clinical testing. Allele origin: germline. Affected: yes. Observed: 2 variant alleles.

GeneDx
Classification: Likely pathogenic. Last evaluated: 2023-12-12. Review status: criteria provided, single submitter. Criteria: GeneDx Variant Classification Process June 2021. Collection method: clinical testing. Allele origin: germline. Affected: yes.
Comment: Not observed at significant frequency in large population cohorts (gnomAD); In silico analysis supports that this missense variant has a deleterious effect on protein structure/function; This variant is associated with the following publications: (PMID: 22539353, 22461308)

Literature cited by the submitters: PubMed 22461308 (cited by Labcorp Genetics (formerly Invitae), Labcorp).

NM_017780.4(CHD7):c.4034G>A (p.Arg1345His)

Gene: CHD7 (chromodomain helicase DNA binding protein 7; plus strand). Cytogenetic location: 8q12.2.
Variant type: single nucleotide variant.
Coding change: c.4034G>A on transcript NM_017780.4 (MANE Select); coding-DNA position 4034, G replaced by A.
Protein change: p.Arg1345His; replaces arginine 1345 with histidine.
Molecular consequence: missense variant. On other transcripts: intron variant (1).
Genome position (GRCh38, 1-based): chr8:60,836,861, G>A. VCF-style: chr8-60836861-G-A. GRCh37 (hg19) VCF-style: chr8-61749420-G-A.
Other names: c.1717-25368G>A (NM_001316690.1); short protein forms R1345H.
Identifiers: ClinVar variation 3338836 (VCV003338836.5).
Genomic context (GRCh38, chr8:60,836,861, plus strand): 5'-CACTGATGTTTTCTAGGTACCCATATGAAAGGATCGACGGCCGAGTAAGAGGCAACCTCC[G>A]CCAGGCAGCTATCGACAGATTCTCCAAACCTGATTCTGATAGGTTTGTTTTCCTCCTGTG-3'
Protein context (NP_060250.2, residues 1335-1355): RIDGRVRGNL[Arg1345His]QAAIDRFSKP